The following is an entry in ClinVar:

ClinVar aggregate classification (germline): Uncertain significance. Review status: criteria provided, multiple submitters, no conflicts (2 of 4 stars). 2 submissions from 2 submitters: Uncertain significance (2). Last evaluated 2023-10-24.

gnomAD v4.1: 1 of 1,551,598 alleles (0.000064%); highest among the groups gnomAD compares: African/African-American, 0.0014%; no homozygotes.

Submissions (2):

Labcorp Genetics (formerly Invitae), Labcorp
Classification: Uncertain significance. Last evaluated: 2023-10-24. Review status: criteria provided, single submitter. Criteria: Invitae Variant Classification Sherloc (09022015). Collection method: clinical testing. Allele origin: germline.
Comment: This sequence change creates a premature translational stop signal (p.Arg1863*) in the KIAA1549 gene. While this is not anticipated to result in nonsense mediated decay, it is expected to disrupt the last 88 amino acid(s) of the KIAA1549 protein. This variant is not present in population databases (gnomAD no frequency). This variant has not been reported in the literature in individuals affected with KIAA1549-related conditions. Experimental studies and prediction algorithms are not available or were not evaluated, and the functional significance of this variant is currently unknown. In summary, the available evidence is currently insufficient to determine the role of this variant in disease. Therefore, it has been classified as a Variant of Uncertain Significance.

Blueprint Genetics
Classification: Uncertain significance. Last evaluated: 2023-08-02. Review status: criteria provided, single submitter. Criteria: ACMG Guidelines, 2015. Collection method: clinical testing. Allele origin: germline.

NM_001164665.2(KIAA1549):c.5587C>T (p.Arg1863Ter)

Gene: KIAA1549 (KIAA1549; minus strand). Cytogenetic location: 7q34.
Variant type: single nucleotide variant.
Coding change: c.5587C>T on transcript NM_001164665.2 (MANE Select); coding-DNA position 5587, C replaced by T.
Protein change: p.Arg1863Ter; replaces arginine 1863 with a stop codon.
Molecular consequence: nonsense.
Genome position (GRCh38, 1-based): chr7:138,840,144, G>A on the plus strand (C>T on the coding strand, the complement: KIAA1549 is on the minus strand). VCF-style: chr7-138840144-G-A. GRCh37 (hg19) VCF-style: chr7-138524889-G-A.
Other names: c.5587C>T, p.Arg1863Ter (NM_020910.3); short protein forms R1863*.
Identifiers: ClinVar variation 2792087 (VCV002792087.4), dbSNP rs776005864, ClinGen allele CA4505515.